The following is an entry in ClinVar:

ClinVar aggregate classification (germline): Benign/Likely benign. Review status: criteria provided, multiple submitters, no conflicts (2 of 4 stars). 3 submissions from 3 submitters: Benign (1); Likely benign (2). Last evaluated 2025-06-18.

Conditions:
Hereditary cancer-predisposing syndrome. Also called: Tumor predisposition; Hereditary Cancer Syndrome; Neoplastic Syndromes, Hereditary; Hereditary neoplastic syndrome. Identifiers: Orphanet 140162, MedGen C0027672, MeSH D009386, MONDO:0015356.
Colorectal cancer, susceptibility to, 12 (CRCS12). Also called: COLORECTAL CANCER, SUSCEPTIBILITY TO, ON CHROMOSOME 12q24. Identifiers: Orphanet 220460, MedGen C3554460, MONDO:0014038, OMIM 615083.

Allele frequency attached by ClinVar (database versions not stated): gnomAD exomes below 0.00001.
gnomAD v4.1: 1 of 1,612,642 alleles (0.000062%); highest among the groups gnomAD compares: Non-Finnish European, 0.000085%; no homozygotes.

Submissions (3):

Labcorp Genetics (formerly Invitae), Labcorp
Classification: Likely benign. Last evaluated: 2025-06-18. Review status: criteria provided, single submitter. Criteria: Invitae Variant Classification Sherloc (09022015). Collection method: clinical testing. Allele origin: germline.

Myriad Genetics, Inc.
Classification: Benign for Colorectal cancer, susceptibility to, 12. Last evaluated: 2025-02-07. Review status: criteria provided, single submitter. Criteria: Myriad Autosomal Dominant, Autosomal Recessive and X-Linked Classification Criteria (2023). Collection method: clinical testing. Allele origin: unknown.
Comment: This variant is considered benign. This variant is a silent/synonymous amino acid change and it is not expected to impact splicing.

Ambry Genetics
Classification: Likely benign for Hereditary cancer-predisposing syndrome. Last evaluated: 2017-10-06. Review status: criteria provided, single submitter. Criteria: Ambry Variant Classification Scheme 2023. Collection method: clinical testing. Allele origin: germline.

NM_006231.4(POLE):c.978A>T (p.Pro326=)

Gene: POLE (DNA polymerase epsilon, catalytic subunit; minus strand). Cytogenetic location: 12q24.33.
Variant type: single nucleotide variant.
Coding change: c.978A>T on transcript NM_006231.4 (MANE Select); coding-DNA position 978, A replaced by T.
Protein change: p.Pro326=; no amino-acid change (proline 326 retained).
Molecular consequence: synonymous variant.
Genome position (GRCh38, 1-based): chr12:132,676,136, T>A on the plus strand (A>T on the coding strand, the complement: POLE is on the minus strand). VCF-style: chr12-132676136-T-A. GRCh37 (hg19) VCF-style: chr12-133252722-T-A.
Identifiers: ClinVar variation 823475 (VCV000823475.13), dbSNP rs1593078359, ClinGen allele CA482722954.
Genomic context (GRCh38, chr12:132,676,136, plus strand): 5'-CAAGTGATACCTCCTTACCTCATCGGGTTCATTGAAGACACAAAAGGGGCCTTCATATTC[T>A]GGCTTGGGGGTGAACTCAAAATCTTCAATATCTTCTGAAACAATCTCCCTGTTGGTGATG-3'
Protein context (NP_006222.2, residues 316-336): DIEDFEFTPK[Pro326=]EYEGPFCVFN